The following is an entry in ClinVar:

NM_001042492.3(NF1):c.3528_3544del (p.Arg1176fs)

Gene: NF1 (neurofibromin 1; plus strand). Cytogenetic location: 17q11.2.
Variant type: Deletion.
Coding change: c.3528_3544del on transcript NM_001042492.3 (MANE Select); coding-DNA positions 3528 to 3544, 17 bases deleted (AGCTACATTTATGGAAG).
Protein change: p.Arg1176fs; shifts the reading frame from arginine 1176.
Molecular consequence: frameshift variant.
Genome position (GRCh38, 1-based): chr17:31,233,033-31,233,049, AGCTACATTTATGGAAG deleted; deleting any 17 consecutive bases within chr17:31,233,030-31,233,049 gives the same sequence; the c. name uses the placement nearest the transcript's 3' end. VCF-style (leftmost placement, unchanged base first): chr17-31233029-CAAGAGCTACATTTATGG-C. GRCh37 (hg19) VCF-style: chr17-29560047-CAAGAGCTACATTTATGG-C.
Other names: c.3528_3544del17, p.Arg1176Serfs (NM_000267.4); short protein forms R1176fs.
Identifiers: ClinVar variation 1068701 (VCV001068701.5), dbSNP rs2151435331, ClinGen allele CA2499224100.
Genomic context (GRCh38, chr17:31,233,029, plus strand): 5'-GTTAGTAAATTTGCATCTGTTTGTCCACATTAGGCTTAGGTTACCACAAGGATCTCCAGA[CAAGAGCTACATTTATGG>C]AAGTTCTGACAAAAATCCTTCAACAAGGCACAGAATTTGACACACTTGCAGAAACAGTAT-3'

ClinVar aggregate classification (germline): Pathogenic (1 of 4 stars; one submission).

Conditions:
Neurofibromatosis, type 1 (NF1). Also called: VON RECKLINGHAUSEN DISEASE; Peripheral type neurofibromatosis; NEUROFIBROMATOSIS, TYPE I, SOMATIC; Neurofibromatosis, type I. Identifiers: Orphanet 636, MedGen C0027831, MONDO:0018975, OMIM 162200. Disease mechanism: loss of function.

Submission:

Labcorp Genetics (formerly Invitae), Labcorp
Classification: Pathogenic for Neurofibromatosis, type 1. Last evaluated: 2020-07-07. Review status: criteria provided, single submitter. Criteria: Invitae Variant Classification Sherloc (09022015). Collection method: clinical testing. Allele origin: germline.
Comment: This variant is not present in population databases (ExAC no frequency). For these reasons, this variant has been classified as Pathogenic. Loss-of-function variants in NF1 are known to be pathogenic (PMID: 10712197, 23913538). This variant has not been reported in the literature in individuals with NF1-related conditions. This sequence change creates a premature translational stop signal (p.Arg1176Serfs*13) in the NF1 gene. It is expected to result in an absent or disrupted protein product.

Literature cited by the submitters: PubMed 10712197; PubMed 23913538.